The following is an entry in ClinVar:

ClinVar aggregate classification (germline): Uncertain significance (1 of 4 stars; one submission).

Conditions:
Hereditary breast ovarian cancer syndrome. Also called: Hereditary breast and ovarian cancer; Hereditary breast and ovarian cancer syndrome; Breast and ovarian cancer; BRCA1- and BRCA2-Associated Hereditary Breast and Ovarian Cancer; Hereditary breast and ovarian cancer syndrome (HBOC); Hereditary breast and/or ovarian cancer syndrome. Identifiers: Orphanet 145, MedGen C0677776, MeSH D061325, MONDO:0003582. Disease mechanism: loss of function.

Submission:

Labcorp Genetics (formerly Invitae), Labcorp
Classification: Uncertain significance for Hereditary breast ovarian cancer syndrome. Last evaluated: 2022-11-18. Review status: criteria provided, single submitter. Criteria: Invitae Variant Classification Sherloc (09022015). Collection method: clinical testing. Allele origin: germline.
Comment: This sequence change falls in intron 18 of the BRCA2 gene. It does not directly change the encoded amino acid sequence of the BRCA2 protein. This variant is not present in population databases (gnomAD no frequency). In summary, the available evidence is currently insufficient to determine the role of this variant in disease. Therefore, it has been classified as a Variant of Uncertain Significance. Algorithms developed to predict the effect of sequence changes on RNA splicing suggest that this variant may disrupt the consensus splice site. This variant has not been reported in the literature in individuals affected with BRCA2-related conditions.

NM_000059.4(BRCA2):c.8332-7T>A

Gene: BRCA2 (BRCA2 DNA repair associated; plus strand). Cytogenetic location: 13q13.1.
Variant type: single nucleotide variant.
Coding change: c.8332-7T>A on transcript NM_000059.4 (MANE Select); 7 bases into the intron before coding-DNA position 8332, T replaced by A.
Molecular consequence: intron variant.
Genome position (GRCh38, 1-based): chr13:32,370,395, T>A. VCF-style: chr13-32370395-T-A. GRCh37 (hg19) VCF-style: chr13-32944532-T-A.
Other names: c.8332-7T>A (NM_001406720.1); c.8236-7T>A (NM_001406719.1); c.3400-7T>A (NM_001406721.1); c.1915-7T>A (NM_001406722.1).
Identifiers: ClinVar variation 2814448 (VCV002814448.3), dbSNP rs2137596269, ClinGen allele CA2739277516.